The following is an entry in ClinVar:

NM_006885.4(ZFHX3):c.349G>A (p.Gly117Ser)

Gene: ZFHX3 (zinc finger homeobox 3; minus strand). Cytogenetic location: 16q22.3.
Variant type: single nucleotide variant.
Coding change: c.349G>A on transcript NM_006885.4 (MANE Select); coding-DNA position 349, G replaced by A.
Protein change: p.Gly117Ser; replaces glycine 117 with serine.
Molecular consequence: missense variant. On other transcripts: intron variant (1).
Genome position (GRCh38, 1-based): chr16:72,959,797, C>T on the plus strand (G>A on the coding strand, the complement: ZFHX3 is on the minus strand). VCF-style: chr16-72959797-C-T. GRCh37 (hg19) VCF-style: chr16-72993696-C-T.
Other names: c.349G>A, p.Gly117Ser (NM_001386735.1); c.-23-8832G>A (NM_001164766.2); short protein forms G117S.
Identifiers: ClinVar variation 4751653 (VCV004751653.1).
Genomic context (GRCh38, chr16:72,959,797, plus strand): 5'-GCTGGTAGACGATCTCCCCGGCCAGGTTCTCCACGTCACTCTCCTCGTCCCCCTCCTCAC[C>T]GGTGTCGCTGGCGCTCTCCTCTCTCAGGGGTGGCGGGGGGCGCGCGCTGGGGCAGTGGTG-3'
Protein context (NP_008816.3, residues 107-127): PLREESASDT[Gly117Ser]EEGDEESDVE

ClinVar aggregate classification (germline): Uncertain significance (1 of 4 stars; one submission).

gnomAD v4.1: 93 of 1,598,234 alleles (0.0058%); highest among the groups gnomAD compares: African/African-American, 0.023%; no homozygotes.

Submission:

Labcorp Genetics (formerly Invitae), Labcorp
Classification: Uncertain significance. Last evaluated: 2025-02-15. Review status: criteria provided, single submitter. Criteria: Invitae Variant Classification Sherloc (09022015). Collection method: clinical testing. Allele origin: germline.
Comment: This sequence change replaces glycine, which is neutral and non-polar, with serine, which is neutral and polar, at codon 117 of the ZFHX3 protein (p.Gly117Ser). This variant is present in population databases (rs201151237, gnomAD 0.02%). This variant has not been reported in the literature in individuals affected with ZFHX3-related conditions. An algorithm developed to predict the effect of missense changes on protein structure and function outputs the following: PolyPhen-2: "Benign". The serine amino acid residue is found in multiple mammalian species, which suggests that this missense change does not adversely affect protein function. In summary, the available evidence is currently insufficient to determine the role of this variant in disease. Therefore, it has been classified as a Variant of Uncertain Significance.